The following is an entry in ClinVar:

NM_000089.4(COL1A2):c.3950_3951delinsTT (p.Cys1317Phe)

Gene: COL1A2 (collagen type I alpha 2 chain; plus strand). Cytogenetic location: 7q21.3.
Variant type: Indel.
Coding change: c.3950_3951delinsTT on transcript NM_000089.4 (MANE Select); coding-DNA positions 3950 to 3951, GC replaced by TT.
Protein change: p.Cys1317Phe; replaces cysteine 1317 with phenylalanine.
Molecular consequence: missense variant.
Genome position (GRCh38, 1-based): chr7:94,429,426-94,429,427, GC replaced by TT. VCF-style: chr7-94429426-GC-TT. GRCh37 (hg19) VCF-style: chr7-94058738-GC-TT.
Other names: short protein forms C1317F.
Identifiers: ClinVar variation 3756319 (VCV003756319.2).

ClinVar aggregate classification (germline): Uncertain significance (1 of 4 stars; one submission).

Conditions:
Ehlers-Danlos syndrome, classic type, 1 (EDSCL1). Also called: EHLERS-DANLOS SYNDROME, GRAVIS TYPE; EHLERS-DANLOS SYNDROME, SEVERE CLASSIC TYPE; Ehlers-Danlos syndrome, type 1; Ehlers-Danlos Syndrome, Classic Type, COL5A1-Related; EDS I. Identifiers: MedGen C0268335, MONDO:0019567, OMIM 130000.
Osteogenesis imperfecta type I (OI1). Also called: OI, TYPE I; OSTEOGENESIS IMPERFECTA TARDA; OSTEOGENESIS IMPERFECTA WITH BLUE SCLERAE; Osteogenesis imperfecta type 1; Lobstein's Disease; Lobstein disease. Identifiers: Orphanet 216796, Orphanet 666, MedGen C0023931, MONDO:0008146, OMIM 166200. Disease mechanism: loss of function.

Submission:

Labcorp Genetics (formerly Invitae), Labcorp
Classification: Uncertain significance for Osteogenesis imperfecta type I; Ehlers-Danlos syndrome, classic type, 1. Last evaluated: 2024-05-12. Review status: criteria provided, single submitter. Criteria: Invitae Variant Classification Sherloc (09022015). Collection method: clinical testing. Allele origin: germline.
Comment: This sequence change replaces cysteine, which is neutral and slightly polar, with phenylalanine, which is neutral and non-polar, at codon 1317 of the COL1A2 protein (p.Cys1317Phe). Information on the frequency of this variant in the gnomAD database is not available, as this variant may be reported differently in the database. This variant has not been reported in the literature in individuals affected with COL1A2-related conditions. Experimental studies and prediction algorithms are not available or were not evaluated, and the functional significance of this variant is currently unknown. In summary, the available evidence is currently insufficient to determine the role of this variant in disease. Therefore, it has been classified as a Variant of Uncertain Significance.